The following is an entry in ClinVar:

ClinVar aggregate classification (germline): Pathogenic. Review status: criteria provided, multiple submitters, no conflicts (2 of 4 stars). 4 submissions from 4 submitters: Pathogenic (4). Last evaluated 2026-03-05.

Conditions:
Hereditary nonpolyposis colorectal neoplasms. Identifiers: MedGen C0009405, MeSH D003123.
Lynch syndrome 5 (LYNCH5). Also called: Colorectal cancer, hereditary nonpolyposis, type 5; Hereditary non-polyposis colorectal cancer, type 5. Identifiers: Orphanet 144, MedGen C1833477, MONDO:0013710, OMIM 614350. Disease mechanism: loss of function.
Hereditary cancer-predisposing syndrome. Also called: Tumor predisposition; Hereditary Cancer Syndrome; Neoplastic Syndromes, Hereditary; Hereditary neoplastic syndrome. Identifiers: Orphanet 140162, MedGen C0027672, MeSH D009386, MONDO:0015356.

Submissions (4):

Ambry Genetics
Classification: Pathogenic for Hereditary cancer-predisposing syndrome. Last evaluated: 2026-03-05. Review status: criteria provided, single submitter. Criteria: Ambry Variant Classification Scheme 2023. Collection method: clinical testing. Allele origin: germline.
Comment: The c.1417delC pathogenic mutation, located in coding exon 4 of the MSH6 gene, results from a deletion of one nucleotide at nucleotide position 1417, causing a translational frameshift with a predicted alternate stop codon (p.L473Wfs*8). The Genome Aggregation Database (gnomAD) data for this variant is unreliable due to technical and/or biological issues; therefore, population frequency estimates were not considered. This alteration is expected to result in loss of function by premature protein truncation or nonsense-mediated mRNA decay. As such, this alteration is interpreted as a disease-causing mutation.

Color Diagnostics, LLC DBA Color Health
Classification: Pathogenic for Hereditary cancer-predisposing syndrome. Last evaluated: 2025-12-08. Review status: criteria provided, single submitter. Criteria: ACMG Guidelines, 2015. Collection method: clinical testing. Allele origin: germline.
Comment: This variant deletes 1 nucleotide in exon 4 of the MSH6 gene, creating a frameshift and premature translation stop signal. This variant is expected to result in an absent or non-functional protein product. To our knowledge, this variant has not been reported in individuals affected with MSH6-related disorders in the literature. This variant has not been identified in the general population by the Genome Aggregation Database (gnomAD). Loss of MSH6 function is a known mechanism of disease. Based on the available evidence, this variant is classified as Pathogenic.

Myriad Genetics, Inc.
Classification: Pathogenic for Lynch syndrome 5. Last evaluated: 2023-08-14. Review status: criteria provided, single submitter. Criteria: Myriad Autosomal Dominant, Autosomal Recessive and X-Linked Classification Criteria (2023). Collection method: clinical testing. Allele origin: unknown.
Comment: This variant is considered pathogenic. This variant creates a frameshift predicted to result in premature protein truncation.

Labcorp Genetics (formerly Invitae), Labcorp
Classification: Pathogenic for Hereditary nonpolyposis colorectal neoplasms. Last evaluated: 2022-02-09. Review status: criteria provided, single submitter. Criteria: Invitae Variant Classification Sherloc (09022015). Collection method: clinical testing. Allele origin: germline.
Comment: This sequence change creates a premature translational stop signal (p.Leu473Trpfs*8) in the MSH6 gene. It is expected to result in an absent or disrupted protein product. Loss-of-function variants in MSH6 are known to be pathogenic (PMID: 18269114, 24362816). This variant is not present in population databases (gnomAD no frequency). This variant has not been reported in the literature in individuals affected with MSH6-related conditions. ClinVar contains an entry for this variant (Variation ID: 491874). For these reasons, this variant has been classified as Pathogenic.

Literature cited by the submitters: PubMed 18269114 (cited by Labcorp Genetics (formerly Invitae), Labcorp); PubMed 24362816 (cited by Labcorp Genetics (formerly Invitae), Labcorp).

NM_000179.3(MSH6):c.1417del (p.Leu473fs)

Gene: MSH6 (mutS homolog 6; plus strand). Cytogenetic location: 2p16.3.
Variant type: Deletion.
Coding change: c.1417del on transcript NM_000179.3 (MANE Select); coding-DNA position 1417, one base deleted (C; older notation c.1417delC).
Protein change: p.Leu473fs; shifts the reading frame from leucine 473.
Molecular consequence: frameshift variant.
Genome position (GRCh38, 1-based): chr2:47,799,400, C deleted; the last of 3 consecutive C bases (chr2:47,799,398-47,799,400); deleting any one gives the same sequence. VCF-style (leftmost placement, unchanged base first): chr2-47799397-TC-T. GRCh37 (hg19) VCF-style: chr2-48026536-TC-T.
Other names: c.1417delC (NM_000179.2); c.1027del, p.Leu343fs (NM_001281492.2); c.511del, p.Leu171fs (NM_001281493.2, NM_001281494.2); short protein forms L171fs, L473fs, L343fs.
Identifiers: ClinVar variation 491874 (VCV000491874.14), dbSNP rs1553412824, ClinGen allele CA658683244.